The following is an entry in ClinVar:

NM_006031.6(PCNT):c.4054G>C (p.Ala1352Pro)

Gene: PCNT (pericentrin; plus strand). Cytogenetic location: 21q22.3.
Variant type: single nucleotide variant.
Coding change: c.4054G>C on transcript NM_006031.6 (MANE Select); coding-DNA position 4054, G replaced by C.
Protein change: p.Ala1352Pro; replaces alanine 1352 with proline.
Molecular consequence: missense variant.
Genome position (GRCh38, 1-based): chr21:46,391,214, G>C. VCF-style: chr21-46391214-G-C. GRCh37 (hg19) VCF-style: chr21-47811129-G-C.
Other names: c.3700G>C, p.Ala1234Pro (NM_001315529.2); short protein forms A1352P, A1234P.
Identifiers: ClinVar variation 4994048 (VCV004994048.1).

ClinVar aggregate classification (germline): Uncertain significance (1 of 4 stars; one submission).

Conditions:
PCNT-related disorder. Also called: PCNT-related condition.

Submission:

PreventionGenetics, part of Exact Sciences
Classification: Uncertain significance for PCNT-related condition. Last evaluated: 2026-03-25. Review status: criteria provided, single submitter. Criteria: ACMG Guidelines, 2015. Collection method: clinical testing. Allele origin: germline.
Comment: The PCNT c.4054G>C variant is predicted to result in the amino acid substitution p.Ala1352Pro. To our knowledge, this variant has not been reported in the literature or in a large population database (gnomAD), indicating this variant is rare. At this time, the clinical significance of this variant is uncertain due to the absence of conclusive functional and genetic evidence.